The following is an entry in ClinVar:

NM_004370.6(COL12A1):c.9181+5G>A

Gene: COL12A1 (collagen type XII alpha 1 chain; minus strand). Cytogenetic location: 6q13.
Variant type: single nucleotide variant.
Coding change: c.9181+5G>A on transcript NM_004370.6 (MANE Select); 5 bases into the intron after coding-DNA position 9181, G replaced by A.
Molecular consequence: intron variant.
Genome position (GRCh38, 1-based): chr6:75,087,572, C>T on the plus strand (G>A on the coding strand, the complement: COL12A1 is on the minus strand). VCF-style: chr6-75087572-C-T. GRCh37 (hg19) VCF-style: chr6-75797288-C-T.
Other names: c.5689+5G>A (NM_080645.3).
Identifiers: ClinVar variation 1723835 (VCV001723835.7), dbSNP rs758519964, ClinGen allele CA140995761.

ClinVar aggregate classification (germline): Uncertain significance. Review status: criteria provided, multiple submitters, no conflicts (2 of 4 stars). 2 submissions from 2 submitters: Uncertain significance (2). Last evaluated 2026-01-12.

Conditions:
Bethlem myopathy 2 (BTHLM2). Identifiers: Orphanet 536516, Orphanet 610, MedGen C4225313, MONDO:0034022, OMIM 616471.
Ullrich congenital muscular dystrophy 2 (UCMD2). Identifiers: Orphanet 75840, MedGen C4225314, MONDO:0014654, OMIM 616470.

Allele frequency attached by ClinVar (database versions not stated): gnomAD exomes below 0.00001.
gnomAD v4.1: 1 of 1,613,592 alleles (0.000062%); highest among the groups gnomAD compares: Non-Finnish European, 0.000085%; no homozygotes.

Submissions (2):

Labcorp Genetics (formerly Invitae), Labcorp
Classification: Uncertain significance for Bethlem myopathy 2; Ullrich congenital muscular dystrophy 2. Last evaluated: 2026-01-12. Review status: criteria provided, single submitter. Criteria: Invitae Variant Classification Sherloc (09022015). Collection method: clinical testing. Allele origin: germline.
Comment: This sequence change falls in intron 65 of the COL12A1 gene. It does not directly change the encoded amino acid sequence of the COL12A1 protein. It affects a nucleotide within the consensus splice site. This variant is not present in population databases (gnomAD no frequency). This variant has not been reported in the literature in individuals affected with COL12A1-related conditions. ClinVar contains an entry for this variant (Variation ID: 1723835). Variants that disrupt the consensus splice site are a relatively common cause of aberrant splicing (PMID: 17576681, 9536098). Algorithms developed to predict the effect of sequence changes on RNA splicing suggest that this variant is not likely to affect RNA splicing. In summary, the available evidence is currently insufficient to determine the role of this variant in disease. Therefore, it has been classified as a Variant of Uncertain Significance.

GeneDx
Classification: Uncertain significance. Last evaluated: 2022-05-10. Review status: criteria provided, single submitter. Criteria: GeneDx Variant Classification Process June 2021. Collection method: clinical testing. Allele origin: germline. Affected: yes.
Comment: Has not been previously published as pathogenic or benign to our knowledge; Not observed at significant frequency in large population cohorts (gnomAD); In-silico analysis is inconclusive as to whether the variant alters gene splicing. In the absence of RNA/functional studies, the actual effect of this sequence change is unknown.

Literature cited by the submitters: PubMed 17576681 (cited by Labcorp Genetics (formerly Invitae), Labcorp); PubMed 9536098 (cited by Labcorp Genetics (formerly Invitae), Labcorp).